The following is an entry in ClinVar:

ClinVar aggregate classification (germline): Uncertain significance (1 of 4 stars; one submission).

Allele frequency attached by ClinVar (database versions not stated): gnomAD exomes below 0.00001; gnomAD 0.00001.
gnomAD v4.1: 12 of 1,614,118 alleles (0.00074%); highest among the groups gnomAD compares: East Asian, 0.0022%; no homozygotes.

Submission:

Labcorp Genetics (formerly Invitae), Labcorp
Classification: Uncertain significance. Last evaluated: 2023-12-06. Review status: criteria provided, single submitter. Criteria: Invitae Variant Classification Sherloc (09022015). Collection method: clinical testing. Allele origin: germline.
Comment: This sequence change replaces valine with methionine at codon 923 of the INSR protein (p.Val923Met). The valine residue is highly conserved and there is a small physicochemical difference between valine and methionine. This variant is present in population databases (rs760156961, gnomAD 0.006%). This variant has not been reported in the literature in individuals affected with INSR-related conditions. ClinVar contains an entry for this variant (Variation ID: 1510305). Advanced modeling of protein sequence and biophysical properties (such as structural, functional, and spatial information, amino acid conservation, physicochemical variation, residue mobility, and thermodynamic stability) performed at Invitae indicates that this missense variant is not expected to disrupt INSR protein function with a negative predictive value of 80%. In summary, the available evidence is currently insufficient to determine the role of this variant in disease. Therefore, it has been classified as a Variant of Uncertain Significance.

NM_000208.4(INSR):c.2767G>A (p.Val923Met)

Gene: INSR (insulin receptor; minus strand). Cytogenetic location: 19p13.2.
Variant type: single nucleotide variant.
Coding change: c.2767G>A on transcript NM_000208.4 (MANE Select); coding-DNA position 2767, G replaced by A.
Protein change: p.Val923Met; replaces valine 923 with methionine.
Molecular consequence: missense variant.
Genome position (GRCh38, 1-based): chr19:7,132,233, C>T on the plus strand (G>A on the coding strand, the complement: INSR is on the minus strand). VCF-style: chr19-7132233-C-T. GRCh37 (hg19) VCF-style: chr19-7132244-C-T.
Other names: c.2731G>A, p.Val911Met (NM_001079817.3); short protein forms V923M, V911M.
Identifiers: ClinVar variation 1510305 (VCV001510305.6), dbSNP rs760156961, ClinGen allele CA304878442.